The following is an entry in ClinVar:

ClinVar aggregate classification (germline): Uncertain significance. Review status: criteria provided, multiple submitters, no conflicts (2 of 4 stars). 2 submissions from 2 submitters: Uncertain significance (2). Last evaluated 2020-07-26.

Conditions:
Hereditary nonpolyposis colorectal neoplasms. Identifiers: MedGen C0009405, MeSH D003123.

Submissions (2):

Labcorp Genetics (formerly Invitae), Labcorp
Classification: Uncertain significance for Hereditary nonpolyposis colorectal neoplasms. Last evaluated: 2020-07-26. Review status: criteria provided, single submitter. Criteria: Invitae Variant Classification Sherloc (09022015). Collection method: clinical testing. Allele origin: germline.
Comment: In summary, the available evidence is currently insufficient to determine the role of this variant in disease. Therefore, it has been classified as a Variant of Uncertain Significance. Algorithms developed to predict the effect of sequence changes on RNA splicing suggest that this variant may create or strengthen a splice site, but this prediction has not been confirmed by published transcriptional studies. Advanced modeling of protein sequence and biophysical properties (such as structural, functional, and spatial information, amino acid conservation, physicochemical variation, residue mobility, and thermodynamic stability) performed at Invitae indicates that this missense variant is not expected to disrupt MSH6 protein function. This variant has not been reported in the literature in individuals with MSH6-related conditions. This variant is not present in population databases (ExAC no frequency). This sequence change replaces histidine with glutamine at codon 113 of the MSH6 protein (p.His113Gln). The histidine residue is highly conserved and there is a small physicochemical difference between histidine and glutamine.

GeneDx
Classification: Uncertain significance. Last evaluated: 2020-04-20. Review status: criteria provided, single submitter. Criteria: GeneDx Variant Classification Process June 2021. Collection method: clinical testing. Allele origin: germline. Affected: yes.
Comment: Not observed in large population cohorts (Lek 2016); In silico analysis supports that this missense variant has a deleterious effect on protein structure/function; Has not been previously published as pathogenic or benign to our knowledge

NM_000179.3(MSH6):c.339C>G (p.His113Gln)

Gene: MSH6 (mutS homolog 6; plus strand). Cytogenetic location: 2p16.3.
Variant type: single nucleotide variant.
Coding change: c.339C>G on transcript NM_000179.3 (MANE Select); coding-DNA position 339, C replaced by G.
Protein change: p.His113Gln; replaces histidine 113 with glutamine.
Molecular consequence: missense variant. On other transcripts: 5 prime UTR variant (2), intron variant (1).
Genome position (GRCh38, 1-based): chr2:47,791,005, C>G. VCF-style: chr2-47791005-C-G. GRCh37 (hg19) VCF-style: chr2-48018144-C-G.
Other names: c.-398C>G (NM_001281493.2); c.-564C>G (NM_001281494.2); c.237+7535C>G (NM_001281492.2); short protein forms H113Q.
Identifiers: ClinVar variation 1025571 (VCV001025571.10), dbSNP rs886056141, ClinGen allele CA346736966.
Genomic context (GRCh38, chr2:47,791,005, plus strand): 5'-AGATTTGGTTTGGGCCAAGATGGAGGGTTACCCCTGGTGGCCTTGTCTGGTTTACAACCA[C>G]CCCTTTGATGGAACATTCATCCGCGAGAAAGGGAAATCAGTCCGTGTTCATGTACAGTTT-3'
Protein context (NP_000170.1, residues 103-123): YPWWPCLVYN[His113Gln]PFDGTFIREK